The following is an entry in ClinVar:

ClinVar aggregate classification (germline): Conflicting classifications of pathogenicity. Review status: criteria provided, conflicting classifications (1 of 4 stars). 3 submissions from 3 submitters: Uncertain significance (2); Likely benign (1). Last evaluated 2026-01-09.

Conditions:
Hereditary cancer-predisposing syndrome. Also called: Neoplastic Syndromes, Hereditary; Tumor predisposition; Hereditary neoplastic syndrome; Hereditary Cancer Syndrome. Identifiers: Orphanet 140162, MedGen C0027672, MeSH D009386, MONDO:0015356.

Submissions (3):

Ambry Genetics
Classification: Uncertain significance for Hereditary cancer-predisposing syndrome. Last evaluated: 2026-01-09. Review status: criteria provided, single submitter. Criteria: Ambry Variant Classification Scheme 2023. Collection method: clinical testing. Allele origin: germline.
Comment: The c.4552-5T>A intronic variant results from a T to A substitution 5 nucleotides upstream from coding exon 36 in the POLE gene. This nucleotide position is not well conserved in available vertebrate species. In silico splice site analysis predicts that this alteration may result in the creation or strengthening of a novel splice acceptor site. Based on the available evidence, the clinical significance of this variant remains unclear.

Labcorp Genetics (formerly Invitae), Labcorp
Classification: Likely benign. Last evaluated: 2025-11-10. Review status: criteria provided, single submitter. Criteria: Invitae Variant Classification Sherloc (09022015). Collection method: clinical testing. Allele origin: germline.

GeneDx
Classification: Uncertain significance. Last evaluated: 2018-08-14. Review status: criteria provided, single submitter. Criteria: GeneDx Variant Classification (06012015). Collection method: clinical testing. Allele origin: germline. Affected: yes.
Comment: This variant is denoted POLE c.4552-5T>A or IVS35-5T>A and consists of a T>A nucleotide substitution at the -5 position of intron 35 of the POLE gene. In silico analyses, which include splice predictors and evolutionary conservation, are inconsistent in their assessment as to whether or not the variant is damaging.? This variant has not, to our knowledge, been published in the literature as a pathogenic or benign germline variant. This variant was not observed in large population cohorts (Lek 2016). Based on currently available evidence, it is unclear whether POLE c.4552-5T>A is a pathogenic or benign variant. We consider it to be a variant of uncertain significance.

NM_006231.4(POLE):c.4552-5T>A

Gene: POLE (DNA polymerase epsilon, catalytic subunit; minus strand). Cytogenetic location: 12q24.33.
Variant type: single nucleotide variant.
Coding change: c.4552-5T>A on transcript NM_006231.4 (MANE Select); 5 bases into the intron before coding-DNA position 4552, T replaced by A.
Molecular consequence: intron variant.
Genome position (GRCh38, 1-based): chr12:132,643,001, A>T on the plus strand (T>A on the coding strand, the complement: POLE is on the minus strand). VCF-style: chr12-132643001-A-T. GRCh37 (hg19) VCF-style: chr12-133219587-A-T.
Identifiers: ClinVar variation 422779 (VCV000422779.16), dbSNP rs1064795991, ClinGen allele CA16619462.